The following is an entry in ClinVar:

ClinVar aggregate classification (germline): Uncertain significance (1 of 4 stars; one submission).

Conditions:
Cardiomyopathy (CMYO). Also called: Cardiomyopathies. Identifiers: Orphanet 167848, MedGen C0878544, MONDO:0004994, HP:0001638. Inheritance: Various modes of inheritance.

gnomAD v4.1: 1 of 1,613,954 alleles (0.000062%); highest among the groups gnomAD compares: South Asian, 0.0011%; no homozygotes.

Submission:

Color Diagnostics, LLC DBA Color Health
Classification: Uncertain significance for Cardiomyopathy. Last evaluated: 2023-12-04. Review status: criteria provided, single submitter. Criteria: ACMG Guidelines, 2015. Collection method: clinical testing. Allele origin: germline.
Comment: Variant of Uncertain Significance due to insufficient evidence: This missense variant replaces glycine with arginine at codon 166 of the TMEM43 protein. Computational prediction tools and conservation analyses are inconclusive regarding the impact of this variant on the protein function. Computational splicing tools suggest that this variant may not impact RNA splicing. To our knowledge, functional assays have not been performed for this variant nor has this variant been reported in individuals affected with cardiovascular disorders in the literature. This variant is rare in the general population and has been identified in 0/277264 chromosomes by the Genome Aggregation Database (gnomAD). Available evidence is insufficient to determine the role of this variant in disease conclusively.

NM_024334.3(TMEM43):c.496G>C (p.Gly166Arg)

Gene: TMEM43 (transmembrane protein 43; plus strand). Cytogenetic location: 3p25.1.
Variant type: single nucleotide variant.
Coding change: c.496G>C on transcript NM_024334.3 (MANE Select); coding-DNA position 496, G replaced by C.
Protein change: p.Gly166Arg; replaces glycine 166 with arginine.
Molecular consequence: missense variant.
Genome position (GRCh38, 1-based): chr3:14,132,919, G>C. VCF-style: chr3-14132919-G-C. GRCh37 (hg19) VCF-style: chr3-14174419-G-C.
Other names: short protein forms G166R.
Identifiers: ClinVar variation 925208 (VCV000925208.5), dbSNP rs1354385104, ClinGen allele CA351535218.